The following is an entry in ClinVar:

ClinVar aggregate classification (germline): Uncertain significance (1 of 4 stars; one submission).

gnomAD v4.1: 1 of 1,614,022 alleles (0.000062%); no homozygotes.

Submission:

Labcorp Genetics (formerly Invitae), Labcorp
Classification: Uncertain significance. Last evaluated: 2025-05-30. Review status: criteria provided, single submitter. Criteria: Invitae Variant Classification Sherloc (09022015). Collection method: clinical testing. Allele origin: germline.
Comment: This sequence change affects codon 115 of the REEP6 mRNA. It is a 'silent' change, meaning that it does not change the encoded amino acid sequence of the REEP6 protein. This variant is not present in population databases (gnomAD no frequency). This variant has not been reported in the literature in individuals affected with REEP6-related conditions. Algorithms developed to predict the effect of sequence changes on RNA splicing suggest that this variant may disrupt the consensus splice site. In summary, the available evidence is currently insufficient to determine the role of this variant in disease. Therefore, it has been classified as a Variant of Uncertain Significance.

NM_138393.4(REEP6):c.345C>T (p.Gly115=)

Gene: REEP6 (receptor accessory protein 6; plus strand). Cytogenetic location: 19p13.3.
Variant type: single nucleotide variant.
Coding change: c.345C>T on transcript NM_138393.4 (MANE Select); coding-DNA position 345, C replaced by T.
Protein change: p.Gly115=; no amino-acid change (glycine 115 retained).
Molecular consequence: synonymous variant.
Genome position (GRCh38, 1-based): chr19:1,495,604, C>T. VCF-style: chr19-1495604-C-T. GRCh37 (hg19) VCF-style: chr19-1495603-C-T.
Other names: c.345C>T, p.Gly115= (NM_001329556.3).
Identifiers: ClinVar variation 4775278 (VCV004775278.1).